The following is an entry in ClinVar:

ClinVar aggregate classification (germline): Uncertain significance (1 of 4 stars; one submission).

Conditions:
Familial thoracic aortic aneurysm and aortic dissection (TAAD). Also called: Thoracic aortic aneurysms and dissections. Identifiers: Orphanet 91387, MedGen C4707243, MONDO:0019625.

gnomAD v4.1: 2 of 1,612,140 alleles (0.00012%); highest among the groups gnomAD compares: Non-Finnish European, 0.00017%; no homozygotes.

Submission:

Ambry Genetics
Classification: Uncertain significance for Familial thoracic aortic aneurysm and aortic dissection. Last evaluated: 2025-12-10. Review status: criteria provided, single submitter. Criteria: Ambry Variant Classification Scheme 2023. Collection method: clinical testing. Allele origin: germline.
Comment: The p.Q393H variant (also known as c.1179G>T), located in coding exon 11 of the PRKG1 gene, results from a G to T substitution at nucleotide position 1179. The glutamine at codon 393 is replaced by histidine, an amino acid with highly similar properties. This amino acid position is conserved. In addition, the in silico prediction for this alteration is inconclusive. Based on the available evidence, the clinical significance of this variant remains unclear.

NM_006258.4(PRKG1):c.1179G>T (p.Gln393His)

Gene: PRKG1 (protein kinase cGMP-dependent 1; plus strand). Cytogenetic location: 10q21.1.
Variant type: single nucleotide variant.
Coding change: c.1179G>T on transcript NM_006258.4 (MANE Select); coding-DNA position 1179, G replaced by T.
Protein change: p.Gln393His; replaces glutamine 393 with histidine.
Molecular consequence: missense variant. On other transcripts: 5 prime UTR variant (1).
Genome position (GRCh38, 1-based): chr10:52,271,355, G>T. VCF-style: chr10-52271355-G-T. GRCh37 (hg19) VCF-style: chr10-54031115-G-T.
Other names: c.1134G>T, p.Gln378His (NM_001098512.3); c.-31G>T (NM_001374781.1); short protein forms Q378H, Q393H.
Identifiers: ClinVar variation 4635530 (VCV004635530.1).